The following is an entry in ClinVar:

ClinVar aggregate classification (germline): Pathogenic. Review status: criteria provided, single submitter (1 of 4 stars). 2 submissions from 2 submitters: Pathogenic (1). 1 of the submissions does not count toward it. Last evaluated 2018-05-09.

Conditions:
Charcot-Marie-Tooth disease. Also called: Charcot-Marie-Tooth Neuropathy; Charcot-Marie-Tooth Hereditary Neuropathy. Identifiers: Orphanet 166, MedGen C0007959, MONDO:0015626.
Charcot-Marie-Tooth disease type 4. Also called: Charcot-Marie-Tooth disease, type IV; Charcot-Marie-Tooth, Type 4. Identifiers: Orphanet 64749, MedGen C4082197, MONDO:0018995.

Allele frequency attached by ClinVar (database versions not stated): ExAC 0.00001; gnomAD 0.00001; TOPMed 0.00001.
gnomAD v4.1: 1 of 1,613,984 alleles (0.000062%); highest among the groups gnomAD compares: East Asian, 0.0022%; no homozygotes.

Submissions (2):

Labcorp Genetics (formerly Invitae), Labcorp
Classification: Pathogenic for Charcot-Marie-Tooth disease type 4. Last evaluated: 2018-05-09. Review status: criteria provided, single submitter. Criteria: Invitae Variant Classification Sherloc (09022015). Collection method: clinical testing. Allele origin: germline.
Comment: Loss-of-function variants in SH3TC2 are known to be pathogenic (PMID: 20220177, 27068304). This variant has not been reported in the literature in individuals with SH3TC2-related disease. This variant is present in population databases (rs761972717, ExAC 0.01%). This sequence change creates a premature translational stop signal (p.Trp1199*) in the SH3TC2 gene. It is expected to result in an absent or disrupted protein product. For these reasons, this variant has been classified as Pathogenic.

Inherited Neuropathy Consortium
Classification: Uncertain significance for Charcot-Marie-Tooth disease. Review status: no assertion criteria provided. Collection method: research. Allele origin: inherited. Affected: yes. Not counted in ClinVar's aggregate classification.

Literature cited by the submitters: PubMed 20220177 (cited by Labcorp Genetics (formerly Invitae), Labcorp); PubMed 27068304 (cited by Labcorp Genetics (formerly Invitae), Labcorp).

NM_024577.4(SH3TC2):c.3596G>A (p.Trp1199Ter)

Gene: SH3TC2 (SH3 domain and tetratricopeptide repeats 2; minus strand). Cytogenetic location: 5q32.
Variant type: single nucleotide variant.
Coding change: c.3596G>A on transcript NM_024577.4 (MANE Select); coding-DNA position 3596, G replaced by A.
Protein change: p.Trp1199Ter; replaces tryptophan 1199 with a stop codon.
Molecular consequence: nonsense.
Genome position (GRCh38, 1-based): chr5:149,006,960, C>T on the plus strand (G>A on the coding strand, the complement: SH3TC2 is on the minus strand). VCF-style: chr5-149006960-C-T. GRCh37 (hg19) VCF-style: chr5-148386523-C-T.
Other names: short protein forms W1199*.
Identifiers: ClinVar variation 579413 (VCV000579413.7), dbSNP rs761972717, ClinGen allele CA3498676.